The following is an entry in ClinVar:

ClinVar aggregate classification (germline): Uncertain significance. Review status: criteria provided, multiple submitters, no conflicts (2 of 4 stars). 3 submissions from 3 submitters: Uncertain significance (3). Last evaluated 2025-10-13.

Conditions:
Hereditary cancer-predisposing syndrome. Also called: Hereditary neoplastic syndrome; Neoplastic Syndromes, Hereditary; Tumor predisposition; Hereditary Cancer Syndrome. Identifiers: Orphanet 140162, MedGen C0027672, MeSH D009386, MONDO:0015356.
Neuroblastoma, susceptibility to, 3. Also called: ALK-Related Neuroblastic Tumor Susceptibility. Identifiers: Orphanet 635, MedGen C2751681, MONDO:0013083, OMIM 613014.

Submissions (3):

Labcorp Genetics (formerly Invitae), Labcorp
Classification: Uncertain significance for Neuroblastoma, susceptibility to, 3. Last evaluated: 2025-10-13. Review status: criteria provided, single submitter. Criteria: Invitae Variant Classification Sherloc (09022015). Collection method: clinical testing. Allele origin: germline.
Comment: This variant, c.712_714del, results in the deletion of 1 amino acid(s) of the ALK protein (p.Pro238del), but otherwise preserves the integrity of the reading frame. This variant is present in population databases (no rsID available, gnomAD 0.0009%). This variant has not been reported in the literature in individuals affected with ALK-related conditions. ClinVar contains an entry for this variant (Variation ID: 470897). Experimental studies and prediction algorithms are not available or were not evaluated, and the functional significance of this variant is currently unknown. In summary, the available evidence is currently insufficient to determine the role of this variant in disease. Therefore, it has been classified as a Variant of Uncertain Significance.

Ambry Genetics
Classification: Uncertain significance for Hereditary cancer-predisposing syndrome. Last evaluated: 2024-12-11. Review status: criteria provided, single submitter. Criteria: Ambry Variant Classification Scheme 2023. Collection method: clinical testing. Allele origin: germline.
Comment: The c.712_714delCCT variant (also known as p.P238del) is located in coding exon 2 of the ALK gene. This variant results from an in-frame CCT deletion at nucleotide positions 712 to 714. This results in the in-frame deletion of a proline at codon 238. This amino acid position is well conserved in available vertebrate species. In addition, the in silico prediction for this alteration is inconclusive (Choi Y et al. PLoS ONE. 2012; 7(10):e46688). Based on the available evidence, the clinical significance of this variant remains unclear.

Baylor Genetics
Classification: Uncertain significance for Neuroblastoma, susceptibility to, 3. Last evaluated: 2024-03-01. Review status: criteria provided, single submitter. Criteria: ACMG Guidelines, 2015. Collection method: clinical testing. Allele origin: unknown.

NM_004304.5(ALK):c.712_714del (p.Pro238del)

Gene: ALK (ALK receptor tyrosine kinase; minus strand). Cytogenetic location: 2p23.2.
Variant type: Deletion.
Coding change: c.712_714del on transcript NM_004304.5 (MANE Select); coding-DNA positions 712 to 714, 3 bases deleted (CCT; older notation c.712_714delCCT).
Protein change: p.Pro238del; deletes proline 238.
Molecular consequence: inframe deletion.
Genome position (GRCh38, 1-based): chr2:29,717,651-29,717,653, AGG deleted on the plus strand (CCT on the coding strand, the reverse complement: ALK is on the minus strand); deleting any 3 consecutive bases within chr2:29,717,651-29,717,655 gives the same sequence; the c. name uses the placement nearest the transcript's 3' end. VCF-style (leftmost placement, unchanged base first): chr2-29717650-CAGG-C. GRCh37 (hg19) VCF-style: chr2-29940516-CAGG-C.
Other names: c.712_714del (NM_004304.4); short protein forms P238del.
Identifiers: ClinVar variation 470897 (VCV000470897.10), dbSNP rs1311300230, ClinGen allele CA531672860.